The following is an entry in ClinVar:

ClinVar aggregate classification (germline): Uncertain significance. Review status: reviewed by expert panel (3 of 4 stars). 4 submissions from 4 submitters: Uncertain significance (1). 3 of the submissions do not count toward it. Last evaluated 2024-05-03.

Conditions:
Primary pulmonary hypertension. Also called: Idiopathic pulmonary hypertension. Identifiers: MedGen C0152171.
Genetic non-acquired premature ovarian failure. Identifiers: Orphanet 485382, MedGen C5925042.
Pulmonary arterial hypertension. Identifiers: Orphanet 182090, MedGen C2973725, MeSH D000081029, MONDO:0015924, HP:0002092.
Pulmonary hypertension, primary, 1 (PPH1). Also called: Pulmonary hypertension, familial primary, 1, with or without HHT. Identifiers: Orphanet 422, MedGen C4552070, MONDO:0024533, OMIM 178600.

Allele frequency attached by ClinVar (database versions not stated): gnomAD 0.00001 and 0.00002; gnomAD exomes 0.00002 and 0.00007; ExAC 0.00004; TOPMed 0.00007.
gnomAD v4.1: 27 of 1,614,096 alleles (0.0017%); highest among the groups gnomAD compares: East Asian, 0.053%; no homozygotes.

Submissions (4):

Clingen Pulmonary Hypertension Variant Curation Expert Panel, ClinGen
Classification: Uncertain significance for Pulmonary arterial hypertension. Last evaluated: 2024-05-03. Review status: reviewed by expert panel. Criteria: ClinGen PH ACMG Specifications BMPR2 V1.1.0. Collection method: curation. Allele origin: germline. Inheritance: Autosomal dominant inheritance.
Comment: The BMPR2 c.1481C>T variant is a missense variant predicted to result in an alanine to valine substitution at amino acid 494 (p.Ala494Val). The minor allele frequency in gnomAD v2.1.1 controls “Other East Asian" is 0.0016% (11/7044 alleles), which exceeds the PH VCEP threshold of >0.1% for BS1. The variant is located in the kinase domain of BMPR2 (amino acids 203-504) but there is no functional evidence for or against this residue being critical, thus meeting PM1 without modification. The REVEL score is 0.872, exceeding the threshold of 0.75 (PP3). In summary, the variant meets the criteria to be classified as uncertain significance for pulmonary arterial hypertension based on the ACMG/AMP criteria applied, as specified by the ClinGen Pulmonary Hypertension VCEP: BS1, PM1, PP3 (VCEP specification version 1.1, 1/18/2024).

Labcorp Genetics (formerly Invitae), Labcorp
Classification: Likely benign for Primary pulmonary hypertension. Last evaluated: 2024-02-01. Review status: criteria provided, single submitter. Criteria: Invitae Variant Classification Sherloc (09022015). Collection method: clinical testing. Allele origin: germline. Not counted in ClinVar's aggregate classification.

Illumina Laboratory Services, Illumina
Classification: Likely benign for Pulmonary hypertension, primary, 1. Last evaluated: 2018-01-13. Review status: criteria provided, single submitter. Criteria: ICSL Variant Classification Criteria 13 December 2019. Collection method: clinical testing. Allele origin: germline. Not counted in ClinVar's aggregate classification.
Comment: This variant was observed in the ICSL laboratory as part of a predisposition screen in an ostensibly healthy population. It had not been previously curated by ICSL or reported in the Human Gene Mutation Database (HGMD: prior to June 1st, 2018), and was therefore a candidate for classification through an automated scoring system. Utilizing variant allele frequency, disease prevalence and penetrance estimates, and inheritance mode, an automated score was calculated to assess if this variant is too frequent to cause the disease. Based on the score and internal cut-off values, a variant classified as likely benign is not then subjected to further curation. The score for this variant resulted in a classification of likely benign for this disease.

Center for Reproductive Medicine, Shandong Provincial Hospital Affiliated to Shandong University
Classification: Likely pathogenic for Genetic non-acquired premature ovarian failure. Last evaluated: 2019-10-01. Review status: no assertion criteria provided. Collection method: research. Allele origin: unknown. Affected: yes. Observed: 1 variant allele. Not counted in ClinVar's aggregate classification.

NM_001204.7(BMPR2):c.1481C>T (p.Ala494Val)

Gene: BMPR2 (bone morphogenetic protein receptor type 2; plus strand). Cytogenetic location: 2q33.2.
Variant type: single nucleotide variant.
Coding change: c.1481C>T on transcript NM_001204.7 (MANE Select); coding-DNA position 1481, C replaced by T.
Protein change: p.Ala494Val; replaces alanine 494 with valine.
Molecular consequence: missense variant.
Genome position (GRCh38, 1-based): chr2:202,552,783, C>T. VCF-style: chr2-202552783-C-T. GRCh37 (hg19) VCF-style: chr2-203417506-C-T.
Other names: NM_001204.7(BMPR2):c.1481C>T; p.Ala494Val; c.1481C>T (LRG_712t1); short protein forms A494V.
Identifiers: ClinVar variation 333645 (VCV000333645.12), dbSNP rs2229778, ClinGen allele CA2061380.
Genomic context (GRCh38, chr2:202,552,783, plus strand): 5'-GGTCACTCAAGGAGACAATCGAAGACTGTTGGGACCAGGATGCAGAGGCTCGGCTTACTG[C>T]ACAGTGTGCTGAGGAAAGGATGGCTGAACTTATGATGATTTGGGAAAGAAACAAATCTGT-3'
Protein context (NP_001195.2, residues 484-504): WDQDAEARLT[Ala494Val]QCAEERMAEL